The following is an entry in ClinVar:

NM_001330588.2(TPP2):c.1667C>T (p.Pro556Leu)

Gene: TPP2 (tripeptidyl peptidase 2; plus strand). Cytogenetic location: 13q33.1.
Variant type: single nucleotide variant.
Coding change: c.1667C>T on transcript NM_001330588.2 (MANE Select); coding-DNA position 1667, C replaced by T.
Protein change: p.Pro556Leu; replaces proline 556 with leucine.
Molecular consequence: missense variant. On other transcripts: non-coding transcript variant (1).
Genome position (GRCh38, 1-based): chr13:102,636,381, C>T. VCF-style: chr13-102636381-C-T. GRCh37 (hg19) VCF-style: chr13-103288731-C-T.
Other names: c.1667C>T, p.Pro556Leu (LRG_1341t1, NM_001367947.1, NM_003291.4); short protein forms P556L.
Identifiers: ClinVar variation 576962 (VCV000576962.6), dbSNP rs1340087665, ClinGen allele CA388488183.

ClinVar aggregate classification (germline): Uncertain significance (1 of 4 stars; one submission).

Conditions:
Evans syndrome, immunodeficiency, and premature immunosenescence associated with tripeptidyl-peptidase II deficiency. Identifiers: MedGen CN231723. Disease mechanism: loss of function.

Allele frequency attached by ClinVar (database versions not stated): gnomAD 0.00001; gnomAD exomes 0.00001; TOPMed 0.00001.
gnomAD v4.1: 15 of 1,612,166 alleles (0.00093%); highest among the groups gnomAD compares: Admixed American, 0.0017%; no homozygotes.

Submission:

Labcorp Genetics (formerly Invitae), Labcorp
Classification: Uncertain significance for Evans syndrome, immunodeficiency, and premature immunosenescence associated with tripeptidyl-peptidase II deficiency. Last evaluated: 2023-09-24. Review status: criteria provided, single submitter. Criteria: Invitae Variant Classification Sherloc (09022015). Collection method: clinical testing. Allele origin: germline.
Comment: This sequence change replaces proline, which is neutral and non-polar, with leucine, which is neutral and non-polar, at codon 556 of the TPP2 protein (p.Pro556Leu). This variant is present in population databases (no rsID available, gnomAD 0.003%). This variant has not been reported in the literature in individuals affected with TPP2-related conditions. ClinVar contains an entry for this variant (Variation ID: 576962). An algorithm developed to predict the effect of missense changes on protein structure and function (PolyPhen-2) suggests that this variant¬†is likely to be tolerated. In summary, the available evidence is currently insufficient to determine the role of this variant in disease. Therefore, it has been classified as a Variant of Uncertain Significance.